The following is an entry in ClinVar:

NM_138773.4(SLC25A46):c.742A>C (p.Ile248Leu)

Gene: SLC25A46 (solute carrier family 25 member 46; plus strand). Cytogenetic location: 5q22.1.
Variant type: single nucleotide variant.
Coding change: c.742A>C on transcript NM_138773.4 (MANE Select); coding-DNA position 742, A replaced by C.
Protein change: p.Ile248Leu; replaces isoleucine 248 with leucine.
Molecular consequence: missense variant. On other transcripts: non-coding transcript variant (1), intron variant (1).
Genome position (GRCh38, 1-based): chr5:110,761,267, A>C. VCF-style: chr5-110761267-A-C. GRCh37 (hg19) VCF-style: chr5-110096967-A-C.
Other names: c.742A>C (NM_138773.3); c.469A>C, p.Ile157Leu (NM_001303250.3); c.679-180A>C (NM_001303249.3); short protein forms I248L, I157L.
Identifiers: ClinVar variation 429566 (VCV000429566.21), dbSNP rs149585060, ClinGen allele CA3364732.

ClinVar aggregate classification (germline): Conflicting classifications of pathogenicity. Review status: criteria provided, conflicting classifications (1 of 4 stars). 5 submissions from 5 submitters: Uncertain significance (1); Likely benign (3). 1 of the submissions does not count toward it. Last evaluated 2025-11-27.

Conditions:
SLC25A46-related disorder. Also called: SLC25A46-related condition.
Inborn genetic diseases. Identifiers: MedGen C0950123, MeSH D030342.
Neuropathy, hereditary motor and sensory, type 6B (HMSN6B). Also called: NEUROPATHY, HEREDITARY MOTOR AND SENSORY, TYPE VIB, WITH OPTIC ATROPHY; HMSN VIB; CHARCOT-MARIE-TOOTH DISEASE, TYPE 6B; Neuropathy, hereditary motor and sensory, type VIB. Identifiers: MedGen C4225302, MONDO:0014671, OMIM 616505.

Allele frequency attached by ClinVar (database versions not stated): gnomAD exomes 0.00018 and 0.00051; ExAC 0.00057; ESP Exome Variant Server 0.00177; gnomAD 0.00182 and 0.00191; TOPMed 0.00221; 1000 Genomes Project 0.00240; 1000 Genomes Project 30x 0.00265.
gnomAD v4.1: 546 of 1,613,634 alleles (0.034%); highest among the groups gnomAD compares: African/African-American, 0.62%; 3 homozygotes.

Submissions (5):

Labcorp Genetics (formerly Invitae), Labcorp
Classification: Likely benign for Neuropathy, hereditary motor and sensory, type 6B. Last evaluated: 2025-11-27. Review status: criteria provided, single submitter. Criteria: Invitae Variant Classification Sherloc (09022015). Collection method: clinical testing. Allele origin: germline.

Blueprint Genetics
Classification: Likely benign. Last evaluated: 2024-01-18. Review status: criteria provided, single submitter. Criteria: ACMG Guidelines, 2015. Collection method: clinical testing. Allele origin: germline.

Ambry Genetics
Classification: Likely benign for Inborn genetic diseases. Last evaluated: 2019-11-11. Review status: criteria provided, single submitter. Criteria: Ambry Variant Classification Scheme 2023. Collection method: clinical testing. Allele origin: germline.

GeneDx
Classification: Uncertain significance. Last evaluated: 2017-05-11. Review status: criteria provided, single submitter. Criteria: GeneDx Variant Classification (06012015). Collection method: clinical testing. Allele origin: germline. Affected: yes.
Comment: The I248L variant in the SLC25A46 gene has not been reported previously as a pathogenic variant, nor as a benign variant, to our knowledge. The I248L variant is observed in 61/10404 (0.58%) alleles from individuals of Afrcian background, in the ExAC dataset (Lek et al., 2016). The I248L variant is a conservative amino acid substitution, which is not likely to impact secondary protein structure as these residues share similar properties. This substitution occurs at a position where amino acids with similar properties to Isoleucine are tolerated across species. In silico analysis is inconsistent in its predictions as to whether or not the variant is damaging to the protein structure/function. We interpret I248L as a variant of uncertain significance.

PreventionGenetics, part of Exact Sciences
Classification: Likely benign for SLC25A46-related condition. Last evaluated: 2019-11-21. Review status: no assertion criteria provided. Collection method: clinical testing. Allele origin: germline. Not counted in ClinVar's aggregate classification.
Comment: This variant is classified as likely benign based on ACMG/AMP sequence variant interpretation guidelines (Richards et al. 2015 PMID: 25741868, with internal and published modifications).